The following is an entry in ClinVar:

NM_015335.5(MED13L):c.338G>A (p.Gly113Asp)

Gene: MED13L (mediator complex subunit 13L; minus strand). Cytogenetic location: 12q24.21.
Variant type: single nucleotide variant.
Coding change: c.338G>A on transcript NM_015335.5 (MANE Select); coding-DNA position 338, G replaced by A.
Protein change: p.Gly113Asp; replaces glycine 113 with aspartic acid.
Molecular consequence: missense variant.
Genome position (GRCh38, 1-based): chr12:116,111,485, C>T on the plus strand (G>A on the coding strand, the complement: MED13L is on the minus strand). VCF-style: chr12-116111485-C-T. GRCh37 (hg19) VCF-style: chr12-116549290-C-T.
Other names: short protein forms G113D.
Identifiers: ClinVar variation 4997235 (VCV004997235.1).

ClinVar aggregate classification (germline): Uncertain significance (1 of 4 stars; one submission).

Conditions:
MED13L-related disorder. Also called: MED13L-related condition.

Submission:

PreventionGenetics, part of Exact Sciences
Classification: Uncertain significance for MED13L-related condition. Last evaluated: 2025-01-15. Review status: criteria provided, single submitter. Criteria: ACMG Guidelines, 2015. Collection method: clinical testing. Allele origin: germline.
Comment: The MED13L c.338G>A variant is predicted to result in the amino acid substitution p.Gly113Asp. To our knowledge, this variant has not been reported in the literature or in a large population database (gnomAD), indicating this variant is rare. At this time, the clinical significance of this variant is uncertain due to the absence of conclusive functional and genetic evidence.